The following is an entry in ClinVar:

NM_015488.5(PNKD):c.724C>T (p.Pro242Ser)

Genes: CATIP-AS2 (CATIP antisense RNA 2; minus strand), PNKD (PNKD metallo-beta-lactamase domain containing; plus strand). Cytogenetic location: 2q35.
Variant type: single nucleotide variant.
Coding change: c.724C>T on transcript NM_015488.5 (MANE Select); coding-DNA position 724, C replaced by T.
Protein change: p.Pro242Ser; replaces proline 242 with serine.
Molecular consequence: missense variant.
Genome position (GRCh38, 1-based): chr2:218,342,087, C>T. VCF-style: chr2-218342087-C-T. GRCh37 (hg19) VCF-style: chr2-219206810-C-T.
Other names: c.652C>T, p.Pro218Ser (NM_022572.5); short protein forms P218S, P242S.
Identifiers: ClinVar variation 1377794 (VCV001377794.6), dbSNP rs1694695921, ClinGen allele CA350541272.

ClinVar aggregate classification (germline): Uncertain significance (1 of 4 stars; one submission).

Conditions:
Paroxysmal nonkinesigenic dyskinesia. Also called: Paroxysmal non-kinesigenic dyskinesia. Identifiers: Orphanet 98810, MedGen C1869117, MONDO:0700088.

Allele frequency attached by ClinVar (database versions not stated): gnomAD exomes below 0.00001; TOPMed below 0.00001.
gnomAD v4.1: 1 of 1,613,352 alleles (0.000062%); highest among the groups gnomAD compares: Non-Finnish European, 0.000085%; no homozygotes.

Submission:

Labcorp Genetics (formerly Invitae), Labcorp
Classification: Uncertain significance for Paroxysmal nonkinesigenic dyskinesia. Last evaluated: 2021-08-29. Review status: criteria provided, single submitter. Criteria: Invitae Variant Classification Sherloc (09022015). Collection method: clinical testing. Allele origin: germline.
Comment: This sequence change replaces proline with serine at codon 242 of the PNKD protein (p.Pro242Ser). The proline residue is moderately conserved and there is a moderate physicochemical difference between proline and serine. In summary, the available evidence is currently insufficient to determine the role of this variant in disease. Therefore, it has been classified as a Variant of Uncertain Significance. Algorithms developed to predict the effect of missense changes on protein structure and function (SIFT, PolyPhen-2, Align-GVGD) all suggest that this variant is likely to be tolerated. This variant has not been reported in the literature in individuals affected with PNKD-related conditions. This variant is not present in population databases (ExAC no frequency).